The following is an entry in ClinVar:

NM_000094.4(COL7A1):c.6832-3T>A

Gene: COL7A1 (collagen type VII alpha 1 chain; minus strand). Cytogenetic location: 3p21.31.
Variant type: single nucleotide variant.
Coding change: c.6832-3T>A on transcript NM_000094.4 (MANE Select); 3 bases into the intron before coding-DNA position 6832, T replaced by A.
Molecular consequence: intron variant.
Genome position (GRCh38, 1-based): chr3:48,572,742, A>T on the plus strand (T>A on the coding strand, the complement: COL7A1 is on the minus strand). VCF-style: chr3-48572742-A-T. GRCh37 (hg19) VCF-style: chr3-48610175-A-T.
Identifiers: ClinVar variation 1386604 (VCV001386604.7), dbSNP rs1553853065, ClinGen allele CA2573137129.

ClinVar aggregate classification (germline): Uncertain significance (1 of 4 stars; one submission).

Submissions (2):

Labcorp Genetics (formerly Invitae), Labcorp
Classification: Uncertain significance. Last evaluated: 2023-11-10. Review status: criteria provided, single submitter. Criteria: Invitae Variant Classification Sherloc (09022015). Collection method: clinical testing. Allele origin: germline.
Comment: This sequence change falls in intron 86 of the COL7A1 gene. It does not directly change the encoded amino acid sequence of the COL7A1 protein. It affects a nucleotide within the consensus splice site. This variant is not present in population databases (gnomAD no frequency). This variant has not been reported in the literature in individuals affected with COL7A1-related conditions. ClinVar contains an entry for this variant (Variation ID: 1386604). Variants that disrupt the consensus splice site are a relatively common cause of aberrant splicing (PMID: 17576681, 9536098). Algorithms developed to predict the effect of sequence changes on RNA splicing suggest that this variant may disrupt the consensus splice site. In summary, the available evidence is currently insufficient to determine the role of this variant in disease. Therefore, it has been classified as a Variant of Uncertain Significance.

Dr. Peter K. Rogan Lab, Western University
No classification provided (evidence only). Condition: Lung cancer. Review status: no classification provided. Collection method: in vitro. Allele origin: not applicable. Functional consequence: retained intron. Not counted in ClinVar's aggregate classification.

Literature cited by the submitters: PubMed 17576681 (cited by Labcorp Genetics (formerly Invitae), Labcorp); PubMed 9536098 (cited by Labcorp Genetics (formerly Invitae), Labcorp).